The following is an entry in ClinVar:

NM_004629.2(FANCG):c.689del (p.Ser230fs)

Gene: FANCG (FA complementation group G; minus strand). Cytogenetic location: 9p13.3.
Variant type: Deletion.
Coding change: c.689del on transcript NM_004629.2 (MANE Select); coding-DNA position 689, one base deleted (G; older notation c.689delG).
Protein change: p.Ser230fs; shifts the reading frame from serine 230.
Molecular consequence: frameshift variant.
Genome position (GRCh38, 1-based): chr9:35,077,059, C deleted on the plus strand (G on the coding strand, the reverse complement: FANCG is on the minus strand). VCF-style (leftmost placement, unchanged base first): chr9-35077058-GC-G. GRCh37 (hg19) VCF-style: chr9-35077055-GC-G.
Other names: short protein forms S230fs.
Identifiers: ClinVar variation 1076277 (VCV001076277.7), dbSNP rs2131056614, ClinGen allele CA2499219868.

ClinVar aggregate classification (germline): Pathogenic (1 of 4 stars; one submission).

Conditions:
Fanconi anemia (FA). Also called: Fanconi's anemia. Identifiers: Orphanet 84, MedGen C0015625, MeSH D005199, MONDO:0019391.

Submission:

Labcorp Genetics (formerly Invitae), Labcorp
Classification: Pathogenic for Fanconi anemia. Last evaluated: 2020-01-20. Review status: criteria provided, single submitter. Criteria: Invitae Variant Classification Sherloc (09022015). Collection method: clinical testing. Allele origin: germline.
Comment: This sequence change creates a premature translational stop signal (p.Ser230Thrfs*44) in the FANCG gene. It is expected to result in an absent or disrupted protein product. This variant is not present in population databases (ExAC no frequency). This variant has not been reported in the literature in individuals with FANCG-related conditions. Loss-of-function variants in FANCG are known to be pathogenic (PMID: 12552564). For these reasons, this variant has been classified as Pathogenic.

Literature cited by the submitters: PubMed 12552564.